The following is an entry in ClinVar:

NM_000219.6(KCNE1):c.49T>C (p.Trp17Arg)

Gene: KCNE1 (potassium voltage-gated channel subfamily E regulatory subunit 1; minus strand). Cytogenetic location: 21q22.12.
Variant type: single nucleotide variant.
Coding change: c.49T>C on transcript NM_000219.6 (MANE Select); coding-DNA position 49, T replaced by C.
Protein change: p.Trp17Arg; replaces tryptophan 17 with arginine.
Molecular consequence: missense variant.
Genome position (GRCh38, 1-based): chr21:34,449,586, A>G on the plus strand (T>C on the coding strand, the complement: KCNE1 is on the minus strand). VCF-style: chr21-34449586-A-G. GRCh37 (hg19) VCF-style: chr21-35821884-A-G.
Other names: p.Trp17Arg; c.49T>C, p.Trp17Arg (NM_001127668.4, NM_001127669.4, NM_001127670.4 and 4 more transcripts); short protein forms W17R.
Identifiers: ClinVar variation 1417917 (VCV001417917.9), dbSNP rs1469858578, ClinGen allele CA410198584.

ClinVar aggregate classification (germline): Uncertain significance. Review status: criteria provided, multiple submitters, no conflicts (2 of 4 stars). 2 submissions from 2 submitters: Uncertain significance (2). Last evaluated 2025-11-13.

Conditions:
Long QT syndrome (LQTS). Identifiers: MedGen C0023976, MeSH D008133, MONDO:0002442. Disease mechanism: loss of function. Inheritance: Various modes of inheritance.

Allele frequency attached by ClinVar (database versions not stated): gnomAD exomes below 0.00001.

Submissions (3):

Mayo Clinic Laboratories, Mayo Clinic
Classification: Uncertain significance. Last evaluated: 2025-11-13. Review status: criteria provided, single submitter. Criteria: ACMG Guidelines, 2015. Collection method: clinical testing. Allele origin: germline. Observed: 1 variant allele.
Comment: BS3_supporting, PP3, PM2_supporting

Labcorp Genetics (formerly Invitae), Labcorp
Classification: Uncertain significance for Long QT syndrome. Last evaluated: 2021-11-19. Review status: criteria provided, single submitter. Criteria: Invitae Variant Classification Sherloc (09022015). Collection method: clinical testing. Allele origin: germline.
Comment: In summary, the available evidence is currently insufficient to determine the role of this variant in disease. Therefore, it has been classified as a Variant of Uncertain Significance. Algorithms developed to predict the effect of missense changes on protein structure and function are either unavailable or do not agree on the potential impact of this missense change (SIFT: "Deleterious"; PolyPhen-2: "Possibly Damaging"; Align-GVGD: "Class C15"). This variant has not been reported in the literature in individuals affected with KCNE1-related conditions. This variant is present in population databases (no rsID available, gnomAD 0.0009%). This sequence change replaces tryptophan, which is neutral and slightly polar, with arginine, which is basic and polar, at codon 17 of the KCNE1 protein (p.Trp17Arg).

Roden Lab, Vanderbilt University Medical Center
No classification provided (evidence only). Condition: Long QT syndrome 5. Review status: no classification provided. Collection method: in vitro. Allele origin: not applicable. Functional consequence: Effect on ion channel function. Not counted in ClinVar's aggregate classification.
ClinVar note: "not provided" was previously submitted as the classification for the variant. However, the classification appeared to be based only on an observation of functional data so it was converted to no classification on 2025-07-30.

Literature cited by the submitters: PubMed 38816749 (cited by Mayo Clinic Laboratories, Mayo Clinic).